The following is an entry in ClinVar:

ClinVar aggregate classification (germline): Uncertain significance. Review status: criteria provided, single submitter (1 of 4 stars). 2 submissions from 2 submitters: Uncertain significance (1). 1 of the submissions does not count toward it. Last evaluated 2022-04-14.

Conditions:
Isolated dental anomalies.

gnomAD v4.1: 1 of 1,613,994 alleles (0.000062%); highest among the groups gnomAD compares: East Asian, 0.0022%; no homozygotes.

Submissions (2):

GeneDx
Classification: Uncertain significance. Last evaluated: 2022-04-14. Review status: criteria provided, single submitter. Criteria: GeneDx Variant Classification Process June 2021. Collection method: clinical testing. Allele origin: germline. Affected: yes.
Comment: Not observed at significant frequency in large population cohorts (gnomAD); In silico analysis supports that this missense variant does not alter protein structure/function; Has not been previously published as pathogenic or benign to our knowledge

Center of Excellence in Medical Genetics Research, Chiang Mai University
Classification: Uncertain significance for Isolated dental anomalies. Last evaluated: 2026-08-18. Review status: no assertion criteria provided. Collection method: research. Allele origin: germline. Affected: yes. Observed: 2 variant alleles. Not counted in ClinVar's aggregate classification.
Comment: NM_013275.6:c.3145G>T is a missense variant in ANKRD11. This variant was found in a heterozygous state in two probands from one family. The in silico mutation prediction results were MutationTaster (Disease Causing; 0.998750347356305), PolyPhen-2 (Probably Damaging; 0.979), SIFT (Pathogenic Supporting; 0), CADD (26.3), and DANN (Uncertain; 0.9960). It occurs at an extremely low frequency in the gnomAD population database (gnomAD Global = 0.0000006196, South Asian = 0, East Asian = 0.00002228) and was detected in 4/2184 alleles in the T-Rex database (Thai exomes) (PM2). In summary, this variant meets the criteria to be classified as a variant of uncertain significance (VUS) for isolated dental anomalies based on the ACMG/AMP criteria applied.

NM_013275.6(ANKRD11):c.3145G>T (p.Asp1049Tyr)

Gene: ANKRD11 (ankyrin repeat domain 11; minus strand). Cytogenetic location: 16q24.3.
Variant type: single nucleotide variant.
Coding change: c.3145G>T on transcript NM_013275.6 (MANE Select); coding-DNA position 3145, G replaced by T.
Protein change: p.Asp1049Tyr; replaces aspartic acid 1049 with tyrosine.
Molecular consequence: missense variant.
Genome position (GRCh38, 1-based): chr16:89,283,397, C>A on the plus strand (G>T on the coding strand, the complement: ANKRD11 is on the minus strand). VCF-style: chr16-89283397-C-A. GRCh37 (hg19) VCF-style: chr16-89349805-C-A.
Other names: c.3145G>T, p.Asp1049Tyr (NM_001256182.2, NM_001256183.2); short protein forms D1049Y.
Identifiers: ClinVar variation 1710643 (VCV001710643.3), dbSNP rs2544238537, ClinGen allele CA397160491.
Genomic context (GRCh38, chr16:89,283,397, plus strand): 5'-TGTCTTTATGTTTTTCCTTGGTATCTTTTTTCTCTTTAAAACATTTATCAAATTCTTTGT[C>A]CTTCTGACATTTTTCCAGGATTGATTTCTCACTTTTGTCCTTGTCACTGGATTTCTCTTT-3'
Protein context (NP_037407.4, residues 1039-1059): EKSILEKCQK[Asp1049Tyr]KEFDKCFKEK